The following is an entry in ClinVar:

NM_000169.3(GLA):c.803_806del

Genes: GLA (galactosidase alpha; minus strand), RPL36A-HNRNPH2 (RPL36A-HNRNPH2 readthrough; plus strand). Cytogenetic location: Xq22.1.
Variant type: Deletion.
Coding change: c.803_806del on transcript NM_000169.3 (MANE Select); coding-DNA positions 803 to 806, 4 bases deleted (TAGT; older notation c.803_806delTAGT).
Molecular consequence: intron variant (on NM_001199973.2).
Genome position (GRCh38, 1-based): chrX:101,398,563-101,398,566, ACTA deleted on the plus strand (TAGT on the coding strand, the reverse complement: GLA is on the minus strand); deleting any 4 consecutive bases within chrX:101,398,563-101,398,569 gives the same sequence; the c. name uses the placement nearest the transcript's 3' end. VCF-style (leftmost placement, unchanged base first): chrX-101398562-CACTA-C. GRCh37 (hg19) VCF-style: chrX-100653550-CACTA-C.
Other names: c.300+3109_300+3112del (NM_001199973.2); c.177+6744_177+6747del (NM_001199974.2).
Identifiers: ClinVar variation 222420 (VCV000222420.12), dbSNP rs869312426, ClinGen allele CA352965.
Genomic context (GRCh38, chrX:101,398,562, plus strand): 5'-GATAGCCCAGAGGGCCATCTGAGTTACTTGCTGATTCCAGCTGAGGCCAAAGTTGCCAAT[CACTA>C]ACTGAGAAAAAGAATGAAATAATTCAAACAAGAGAGGAGGAAACATTCTTAAAGTTACCT-3'

ClinVar aggregate classification (germline): Pathogenic. Review status: criteria provided, multiple submitters, no conflicts (2 of 4 stars). 4 submissions from 4 submitters: Pathogenic (3). 1 of the submissions does not count toward it. Last evaluated 2026-09-08.

Conditions:
Fabry disease. Also called: GLA DEFICIENCY; HEREDITARY DYSTOPIC LIPIDOSIS; Fabry's disease; Angiokeratoma corporis diffusum; Ceramide trihexosidosis; ALPHA-GALACTOSIDASE A DEFICIENCY. Identifiers: Orphanet 324, MedGen C0002986, MONDO:0010526, OMIM 301500, HP:0001071. Disease mechanism: loss of function, Fabry disease is due to inactivating mutations in the X-linked GLA gene resulting in deficiency of the enzyme Alpha Galactosidase-A..

Submissions (4):

Genomenon, Inc
Classification: Pathogenic for Fabry disease. Last evaluated: 2026-09-08. Review status: criteria provided, single submitter. Criteria: Genomenon Sequence Variant Interpretation Standards - Updated. Collection method: curation. Allele origin: germline. Affected: yes.
Comment: GLA p.Leu268Ter (c.803_806del) is a nonsense variant that introduces a premature stop codon at amino acid position 268 and is predicted to result in a truncated or absent protein product. This variant has been observed in at least one proband with clinical features consistent with Fabry disease (PMID:30834538;11076046;19287194;40981160;31981984;29079200;20505683;12175777;31372342). The variant was found to segregate with disease in at least one affected family (PMID:29079200;40981160). A de novo occurrence of this variant has been observed in at least one affected individual (PMID:11076046). Functional or patient cell studies have been reported (PMID:36516658;30834538;31372342;18437007;20505683). It is absent or not present at a significant frequency in gnomAD. In conclusion, we classify GLA p.Leu268Ter (c.803_806del) as a pathogenic variant.

Labcorp Genetics (formerly Invitae), Labcorp
Classification: Pathogenic for Fabry disease. Last evaluated: 2023-05-24. Review status: criteria provided, single submitter. Criteria: Invitae Variant Classification Sherloc (09022015). Collection method: clinical testing. Allele origin: germline.
Comment: For these reasons, this variant has been classified as Pathogenic. This sequence change creates a premature translational stop signal (p.Leu268*) in the GLA gene. It is expected to result in an absent or disrupted protein product. Loss-of-function variants in GLA are known to be pathogenic (PMID: 10666480, 12175777). This variant is not present in population databases (gnomAD no frequency). This premature translational stop signal has been observed in individual(s) with Fabry disease (PMID: 11076046, 12175777). In at least one individual the variant was observed to be de novo. ClinVar contains an entry for this variant (Variation ID: 1323012). Algorithms developed to predict the effect of sequence changes on RNA splicing suggest that this variant may disrupt the consensus splice site.

Women's Health and Genetics/Laboratory Corporation of America, LabCorp
Classification: Pathogenic for Fabry disease. Last evaluated: 2019-05-29. Review status: criteria provided, single submitter. Criteria: LabCorp Variant Classification Summary - May 2015. Collection method: clinical testing. Allele origin: germline.
Comment: Variant summary: GLA c.803_806delTAGT (p.Leu268X) results in a premature termination codon, predicted to cause a truncation of the encoded protein or absence of the protein due to nonsense mediated decay, which are commonly known mechanisms for disease. Truncations downstream of this position have been classified as pathogenic by our laboratory (eg. c.901C>T (p.Arg301X), c.1021G>T(p.Glu341X)). The variant was absent in 182745 control chromosomes (gnomAD) but has been reported in the literature in male patients affected with Fabry Disease as well as in symptomatic heterozygous females (Juchniewicz_2018, Wijburg_2014, Lee_2000). Taken together, these data indicate that the variant is very likely to be associated with disease. To our knowledge, no experimental evidence demonstrating an impact on protein function has been reported. No submitters have provided clinical-significance assessments for this variant to ClinVar after 2014. Based on the evidence outlined above, the variant was classified as pathogenic.

Revvity Omics, Revvity
Classification: Pathogenic. Last evaluated: 2021-10-05. Review status: no assertion criteria provided. Collection method: clinical testing. Allele origin: germline. Not counted in ClinVar's aggregate classification.

Literature cited by the submitters: PubMed 30834538 (cited by Genomenon, Inc); PubMed 11076046 (cited by 3 submitters); PubMed 19287194 (cited by Genomenon, Inc); PubMed 40981160 (cited by Genomenon, Inc); PubMed 31981984 (cited by Genomenon, Inc); PubMed 29079200 (cited by Genomenon, Inc and Women's Health and Genetics/Laboratory Corporation of America, LabCorp); PubMed 20505683 (cited by Genomenon, Inc); PubMed 12175777 (cited by 3 submitters); PubMed 31372342 (cited by Genomenon, Inc); PubMed 36516658 (cited by Genomenon, Inc); PubMed 18437007 (cited by Genomenon, Inc); PubMed 10666480 (cited by Labcorp Genetics (formerly Invitae), Labcorp); PubMed 25955246 (cited by Women's Health and Genetics/Laboratory Corporation of America, LabCorp).